The following is an entry in ClinVar:

NM_001725.3(BPI):c.450C>T (p.Pro150=)

Gene: BPI (bactericidal permeability increasing protein; plus strand). Cytogenetic location: 20q11.23.
Variant type: single nucleotide variant.
Coding change: c.450C>T on transcript NM_001725.3 (MANE Select); coding-DNA position 450, C replaced by T.
Protein change: p.Pro150=; no amino-acid change (proline 150 retained).
Molecular consequence: synonymous variant.
Genome position (GRCh38, 1-based): chr20:38,310,566, C>T. VCF-style: chr20-38310566-C-T. GRCh37 (hg19) VCF-style: chr20-36938968-C-T.
Identifiers: ClinVar variation 2652317 (VCV002652317.24), dbSNP rs2515875439, ClinGen allele CA510502973.

ClinVar aggregate classification (germline): Likely benign (1 of 4 stars; one submission).

Allele frequency attached by ClinVar (database versions not stated): gnomAD exomes below 0.00001.

Submission:

CeGaT Center for Human Genetics Tuebingen
Classification: Likely benign. Last evaluated: 2023-04-01. Review status: criteria provided, single submitter. Criteria: CeGaT Center For Human Genetics Tuebingen Variant Classification Criteria Version 2. Collection method: clinical testing. Allele origin: germline. Affected: yes. Observed: 1 variant allele.
Comment: BPI: PM2:Supporting, BP4, BP7